The following is an entry in ClinVar:

NM_020822.3(KCNT1):c.2201A>G (p.Asp734Gly)

Gene: KCNT1 (potassium sodium-activated channel subfamily T member 1; plus strand). Cytogenetic location: 9q34.3.
Variant type: single nucleotide variant.
Coding change: c.2201A>G on transcript NM_020822.3 (MANE Select); coding-DNA position 2201, A replaced by G.
Protein change: p.Asp734Gly; replaces aspartic acid 734 with glycine.
Molecular consequence: missense variant.
Genome position (GRCh38, 1-based): chr9:135,772,907, A>G. VCF-style: chr9-135772907-A-G. GRCh37 (hg19) VCF-style: chr9-138664753-A-G.
Other names: c.2066A>G, p.Asp689Gly (NM_001272003.2); short protein forms D689G, D734G.
Identifiers: ClinVar variation 834105 (VCV000834105.11), dbSNP rs1360863995, ClinGen allele CA375511089.

ClinVar aggregate classification (germline): Conflicting classifications of pathogenicity. Review status: criteria provided, conflicting classifications (1 of 4 stars). 4 submissions from 3 submitters: Uncertain significance (3); Likely benign (1). Last evaluated 2026-01-28.

Conditions:
Autosomal dominant nocturnal frontal lobe epilepsy 5. Also called: CILIARY DYSKINESIA, PRIMARY, 28, WITHOUT SITUS INVERSUS; KCNT1-Related Epilepsy; CILIARY DYSKINESIA, PRIMARY, 28, WITH SITUS INVERSUS; Epilepsy, nocturnal frontal lobe, 5. Identifiers: Orphanet 98784, MedGen C3554306, MONDO:0014002, OMIM 615005.
Developmental and epileptic encephalopathy, 14 (DEE14). Also called: Early infantile epileptic encephalopathy 14. Identifiers: Orphanet 293181, MedGen C3554195, MONDO:0013989, OMIM 614959.

Allele frequency attached by ClinVar (database versions not stated): TOPMed 0.00004; gnomAD 0.00003.

Submissions (4):

Labcorp Genetics (formerly Invitae), Labcorp
Classification: Likely benign for Autosomal dominant nocturnal frontal lobe epilepsy 5; Developmental and epileptic encephalopathy, 14. Last evaluated: 2026-01-28. Review status: criteria provided, single submitter. Criteria: Invitae Variant Classification Sherloc (09022015). Collection method: clinical testing. Allele origin: germline.

Genome-Nilou Lab
Classification: Uncertain significance for Developmental and epileptic encephalopathy, 14. Last evaluated: 2022-03-15. Review status: criteria provided, single submitter. Criteria: ACMG Guidelines, 2015. Collection method: clinical testing. Allele origin: germline. Affected: no.

Genome-Nilou Lab
Classification: Uncertain significance for Autosomal dominant nocturnal frontal lobe epilepsy 5. Last evaluated: 2022-03-15. Review status: criteria provided, single submitter. Criteria: ACMG Guidelines, 2015. Collection method: clinical testing. Allele origin: germline. Affected: no.

New York Genome Center
Classification: Uncertain significance for Autosomal dominant nocturnal frontal lobe epilepsy 5; Developmental and epileptic encephalopathy, 14. Last evaluated: 2020-05-08. Review status: criteria provided, single submitter. Criteria: NYGC Assertion Criteria 2020. Collection method: clinical testing. Allele origin: inherited. Observed: 1 heterozygote. Study: CSER-NYCKidSeq.
Comment: The inherited c.2201A>G (p.Asp734Gly) variant in exon 19 of 31of KCNT1 has not been reported in affected individuals in the available literature. This variant is present in gnomADat a very lowfrequency (3/31370 alleles, AF=0.00009563, 0 homozygotes) indicating it is not a common benign variant in the populations represented in this database. In silico predictors suggest this variant is Damaging(Provean; score: -4.75) and Damaging (SIFT; score: 0.0017). Given the lack of functional evidence regarding its pathogenicity, the inherited c.2201A>G (p.Asp734Gly) variant identified in the KCNT1 gene is reported as a Variant of Uncertain Significance.